The following is an entry in ClinVar:

NM_001144967.3(NEDD4L):c.1597C>G (p.Pro533Ala)

Gene: NEDD4L (NEDD4 like E3 ubiquitin protein ligase; plus strand). Cytogenetic location: 18q21.31.
Variant type: single nucleotide variant.
Coding change: c.1597C>G on transcript NM_001144967.3 (MANE Select); coding-DNA position 1597, C replaced by G.
Protein change: p.Pro533Ala; replaces proline 533 with alanine.
Molecular consequence: missense variant.
Genome position (GRCh38, 1-based): chr18:58,349,558, C>G. VCF-style: chr18-58349558-C-G. GRCh37 (hg19) VCF-style: chr18-56016790-C-G.
Other names: c.1234C>G, p.Pro412Ala (NM_001144964.1, NM_001144965.2, NM_001144966.3); c.1573C>G, p.Pro525Ala (NM_001144968.2); c.1513C>G, p.Pro505Ala (NM_001144969.2); c.1174C>G, p.Pro392Ala (NM_001144970.3, NM_001144971.2); c.1405C>G, p.Pro469Ala (NM_001243960.2); c.1537C>G, p.Pro513Ala (NM_015277.6); short protein forms P392A, P412A, P469A, P505A, P513A, P525A, P533A.
Identifiers: ClinVar variation 1308713 (VCV001308713.2), dbSNP rs2145557366, ClinGen allele CA402539920.

ClinVar aggregate classification (germline): Uncertain significance (1 of 4 stars; one submission).

Submission:

GeneDx
Classification: Uncertain significance. Last evaluated: 2019-10-08. Review status: criteria provided, single submitter. Criteria: GeneDx Variant Classification Process June 2021. Collection method: clinical testing. Allele origin: germline. Affected: yes.
Comment: Not observed in large population cohorts (Lek et al., 2016); In silico analysis, which includes protein predictors and evolutionary conservation, supports a deleterious effect; Has not been previously published as pathogenic or benign to our knowledge